The following is an entry in ClinVar:

ClinVar aggregate classification (germline): Pathogenic (1 of 4 stars; one submission).

Conditions:
Bethlem myopathy 2 (BTHLM2). Identifiers: Orphanet 536516, Orphanet 610, MedGen C4225313, MONDO:0034022, OMIM 616471.
Ullrich congenital muscular dystrophy 2 (UCMD2). Identifiers: Orphanet 75840, MedGen C4225314, MONDO:0014654, OMIM 616470.

Submission:

Labcorp Genetics (formerly Invitae), Labcorp
Classification: Pathogenic for Bethlem myopathy 2; Ullrich congenital muscular dystrophy 2. Last evaluated: 2022-11-01. Review status: criteria provided, single submitter. Criteria: Invitae Variant Classification Sherloc (09022015). Collection method: clinical testing. Allele origin: germline.
Comment: A gross deletion of the genomic region encompassing the full coding sequence of the COL12A1 gene has been identified. Loss-of-function variants in COL12A1 are known to be pathogenic (PMID: 24334604, 28973083). The boundaries of this event are unknown as they extend beyond the assayed region for this gene and therefore may encompass additional genes. Isolated whole-gene deletions of COL12A1 have not been reported in the literature. However, larger copy number events that include this gene have been reported (PMID: 27159402). For these reasons, this variant has been classified as Pathogenic.

Literature cited by the submitters: PubMed 24334604; PubMed 28973083; PubMed 27159402.

NC_000006.11:g.(?_75796253)_(75912518_?)del

Gene: COL12A1 (collagen type XII alpha 1 chain; minus strand). Cytogenetic location: 6q13-14.1.
Variant type: Deletion.
Identifiers: ClinVar variation 1073075 (VCV001073075.8).